The following is an entry in ClinVar:

NM_133642.5(LARGE1):c.2015G>A (p.Arg672Gln)

Gene: LARGE1 (LARGE xylosyl- and glucuronyltransferase 1; minus strand). Cytogenetic location: 22q12.3.
Variant type: single nucleotide variant.
Coding change: c.2015G>A on transcript NM_133642.5 (MANE Select); coding-DNA position 2015, G replaced by A.
Protein change: p.Arg672Gln; replaces arginine 672 with glutamine.
Molecular consequence: missense variant.
Genome position (GRCh38, 1-based): chr22:33,277,118, C>T on the plus strand (G>A on the coding strand, the complement: LARGE1 is on the minus strand). VCF-style: chr22-33277118-C-T. GRCh37 (hg19) VCF-style: chr22-33673104-C-T.
Other names: c.2015G>A, p.Arg672Gln (NM_001362949.2, NM_001362951.2, NM_001362953.2 and 4 more transcripts); c.1868G>A, p.Arg623Gln (NM_001378627.1, NM_001378628.1); c.1859G>A, p.Arg620Gln (NM_001378629.1); c.1412G>A, p.Arg471Gln (NM_001378630.1); c.1109G>A, p.Arg370Gln (NM_001378631.1); short protein forms R672Q, R370Q, R471Q, R620Q, R623Q.
Identifiers: ClinVar variation 580318 (VCV000580318.12), dbSNP rs145736519, ClinGen allele CA10202590.

ClinVar aggregate classification (germline): Uncertain significance (1 of 4 stars; one submission).

Conditions:
Muscular dystrophy-dystroglycanopathy type B6 (MDDGB6). Also called: MUSCULAR DYSTROPHY-DYSTROGLYCANOPATHY (CONGENITAL WITH IMPAIRED INTELLECTUAL DEVELOPMENT), TYPE B, 6; MUSCULAR DYSTROPHY, CONGENITAL, LARGE-RELATED; MUSCULAR DYSTROPHY, CONGENITAL, TYPE 1D. Identifiers: MedGen C1837229, MONDO:0012138, OMIM 608840.

Allele frequency attached by ClinVar (database versions not stated): ExAC 0.00005; gnomAD exomes 0.00005 and 0.00007; ESP Exome Variant Server 0.00008; TOPMed 0.00009; gnomAD 0.00010; 1000 Genomes Project 30x 0.00016; 1000 Genomes Project 0.00020.

Submission:

Labcorp Genetics (formerly Invitae), Labcorp
Classification: Uncertain significance for Muscular dystrophy-dystroglycanopathy type B6. Last evaluated: 2024-12-19. Review status: criteria provided, single submitter. Criteria: Invitae Variant Classification Sherloc (09022015). Collection method: clinical testing. Allele origin: germline.
Comment: This sequence change replaces arginine, which is basic and polar, with glutamine, which is neutral and polar, at codon 672 of the LARGE1 protein (p.Arg672Gln). This variant is present in population databases (rs145736519, gnomAD 0.008%). This variant has not been reported in the literature in individuals affected with LARGE1-related conditions. ClinVar contains an entry for this variant (Variation ID: 580318). Invitae Evidence Modeling of protein sequence and biophysical properties (such as structural, functional, and spatial information, amino acid conservation, physicochemical variation, residue mobility, and thermodynamic stability) indicates that this missense variant is not expected to disrupt LARGE1 protein function with a negative predictive value of 80%. In summary, the available evidence is currently insufficient to determine the role of this variant in disease. Therefore, it has been classified as a Variant of Uncertain Significance.